The following is an entry in ClinVar:

NM_033402.5(LRRCC1):c.70G>A (p.Gly24Arg)

Genes: LRRCC1 (leucine rich repeat and coiled-coil centrosomal protein 1; plus strand), LOC130000685 (ATAC-STARR-seq lymphoblastoid active region 27589; plus strand). Cytogenetic location: 8q21.2.
Variant type: single nucleotide variant.
Coding change: c.70G>A on transcript NM_033402.5 (MANE Select); coding-DNA position 70, G replaced by A.
Protein change: p.Gly24Arg; replaces glycine 24 with arginine.
Molecular consequence: missense variant. On other transcripts: 5 prime UTR variant (4).
Genome position (GRCh38, 1-based): chr8:85,107,365, G>A. VCF-style: chr8-85107365-G-A. GRCh37 (hg19) VCF-style: chr8-86019600-G-A.
Other names: c.-4G>A (NM_001349636.2); c.-512G>A (NM_001349637.2); c.-442G>A (NM_001349638.2); c.-282G>A (NM_001349639.2); short protein forms G24R.
Identifiers: ClinVar variation 3611691 (VCV003611691.2).

ClinVar aggregate classification (germline): Uncertain significance (1 of 4 stars; one submission).

Submission:

Labcorp Genetics (formerly Invitae), Labcorp
Classification: Uncertain significance. Last evaluated: 2024-07-19. Review status: criteria provided, single submitter. Criteria: Invitae Variant Classification Sherloc (09022015). Collection method: clinical testing. Allele origin: germline.
Comment: This sequence change replaces glycine, which is neutral and non-polar, with arginine, which is basic and polar, at codon 24 of the LRRCC1 protein (p.Gly24Arg). This variant is not present in population databases (gnomAD no frequency). This variant has not been reported in the literature in individuals affected with LRRCC1-related conditions. An algorithm developed to predict the effect of missense changes on protein structure and function outputs the following: PolyPhen-2: "Benign". The arginine amino acid residue is found in multiple mammalian species, which suggests that this missense change does not adversely affect protein function. In summary, the available evidence is currently insufficient to determine the role of this variant in disease. Therefore, it has been classified as a Variant of Uncertain Significance.